The following is an entry in ClinVar:

ClinVar aggregate classification (germline): Uncertain significance (1 of 4 stars; one submission).

Allele frequency attached by ClinVar (database versions not stated): gnomAD exomes below 0.00001.
gnomAD v4.1: 5 of 1,613,502 alleles (0.00031%); highest among the groups gnomAD compares: South Asian, 0.0044%; no homozygotes.

Submission:

Labcorp Genetics (formerly Invitae), Labcorp
Classification: Uncertain significance. Last evaluated: 2022-02-24. Review status: criteria provided, single submitter. Criteria: Invitae Variant Classification Sherloc (09022015). Collection method: clinical testing. Allele origin: germline.
Comment: This sequence change replaces proline, which is neutral and non-polar, with leucine, which is neutral and non-polar, at codon 2796 of the SPEG protein (p.Pro2796Leu). This variant is not present in population databases (gnomAD no frequency). This variant has not been reported in the literature in individuals affected with SPEG-related conditions. Algorithms developed to predict the effect of missense changes on protein structure and function are either unavailable or do not agree on the potential impact of this missense change (SIFT: "Deleterious"; PolyPhen-2: "Possibly Damaging"; Align-GVGD: "Class C0"). In summary, the available evidence is currently insufficient to determine the role of this variant in disease. Therefore, it has been classified as a Variant of Uncertain Significance.

NM_005876.5(SPEG):c.8387C>T (p.Pro2796Leu)

Genes: ASIC4-AS1 (ASIC4 antisense RNA 1; minus strand), SPEG (striated muscle enriched protein kinase; plus strand). Cytogenetic location: 2q35.
Variant type: single nucleotide variant.
Coding change: c.8387C>T on transcript NM_005876.5 (MANE Select); coding-DNA position 8387, C replaced by T.
Protein change: p.Pro2796Leu; replaces proline 2796 with leucine.
Molecular consequence: missense variant.
Genome position (GRCh38, 1-based): chr2:219,489,405, C>T. VCF-style: chr2-219489405-C-T. GRCh37 (hg19) VCF-style: chr2-220354127-C-T.
Other names: short protein forms P2796L.
Identifiers: ClinVar variation 1446018 (VCV001446018.3), dbSNP rs1693754615, ClinGen allele CA350709015.